The following is an entry in ClinVar:

NM_001370298.3(FGD4):c.2228A>G (p.Lys743Arg)

Gene: FGD4 (FYVE, RhoGEF and PH domain containing 4; plus strand). Cytogenetic location: 12p11.21.
Variant type: single nucleotide variant.
Coding change: c.2228A>G on transcript NM_001370298.3 (MANE Select); coding-DNA position 2228, A replaced by G.
Protein change: p.Lys743Arg; replaces lysine 743 with arginine.
Molecular consequence: missense variant.
Genome position (GRCh38, 1-based): chr12:32,633,604, A>G. VCF-style: chr12-32633604-A-G. GRCh37 (hg19) VCF-style: chr12-32786538-A-G.
Other names: c.2072A>G, p.Lys691Arg (NM_001304481.2); c.1073A>G, p.Lys358Arg (NM_001304483.2); c.785A>G, p.Lys262Arg (NM_001304484.2); c.1538A>G, p.Lys513Arg (NM_001330373.2, NM_001330374.2, NM_001384130.1); c.1265A>G, p.Lys422Arg (NM_001370297.1); c.2228A>G, p.Lys743Arg (NM_001384126.1); c.1817A>G, p.Lys606Arg (NM_001384127.1, NM_001384128.1, NM_001385118.1 and 1 more transcripts); short protein forms K262R, K358R, K422R, K513R, K606R, K691R, K743R.
Identifiers: ClinVar variation 1026841 (VCV001026841.8), dbSNP rs1950617596, ClinGen allele CA384369874.

ClinVar aggregate classification (germline): Uncertain significance (1 of 4 stars; one submission).

Conditions:
Charcot-Marie-Tooth disease type 4. Also called: Charcot-Marie-Tooth disease, type IV; Charcot-Marie-Tooth, Type 4. Identifiers: Orphanet 64749, MedGen C4082197, MONDO:0018995.

Allele frequency attached by ClinVar (database versions not stated): gnomAD exomes below 0.00001.
gnomAD v4.1: 3 of 1,613,968 alleles (0.00019%); highest among the groups gnomAD compares: South Asian, 0.0011%; no homozygotes.

Submission:

Labcorp Genetics (formerly Invitae), Labcorp
Classification: Uncertain significance for Charcot-Marie-Tooth disease type 4. Last evaluated: 2022-08-23. Review status: criteria provided, single submitter. Criteria: Invitae Variant Classification Sherloc (09022015). Collection method: clinical testing. Allele origin: germline.
Comment: This variant has not been reported in the literature in individuals affected with FGD4-related conditions. This sequence change replaces lysine, which is basic and polar, with arginine, which is basic and polar, at codon 606 of the FGD4 protein (p.Lys606Arg). This variant is not present in population databases (gnomAD no frequency). ClinVar contains an entry for this variant (Variation ID: 1026841). Algorithms developed to predict the effect of missense changes on protein structure and function output the following: SIFT: "Tolerated"; PolyPhen-2: "Benign"; Align-GVGD: "Class C0". The arginine amino acid residue is found in multiple mammalian species, which suggests that this missense change does not adversely affect protein function. In summary, the available evidence is currently insufficient to determine the role of this variant in disease. Therefore, it has been classified as a Variant of Uncertain Significance.